The following is an entry in ClinVar:

NM_001042492.3(NF1):c.1212T>C (p.Ser404=)

Gene: NF1 (neurofibromin 1; plus strand). Cytogenetic location: 17q11.2.
Variant type: single nucleotide variant.
Coding change: c.1212T>C on transcript NM_001042492.3 (MANE Select); coding-DNA position 1212, T replaced by C.
Protein change: p.Ser404=; no amino-acid change (serine 404 retained).
Molecular consequence: synonymous variant.
Genome position (GRCh38, 1-based): chr17:31,201,437, T>C. VCF-style: chr17-31201437-T-C. GRCh37 (hg19) VCF-style: chr17-29528455-T-C.
Other names: c.1212T>C, p.Ser404= (NM_000267.4, NM_001128147.3).
Identifiers: ClinVar variation 5042335 (VCV005042335.1).

ClinVar aggregate classification (germline): Benign (1 of 4 stars; one submission).

Conditions:
Neurofibromatosis, type 1 (NF1). Also called: VON RECKLINGHAUSEN DISEASE; NEUROFIBROMATOSIS, TYPE I, SOMATIC; Peripheral type neurofibromatosis; Neurofibromatosis, type I. Identifiers: Orphanet 636, MedGen C0027831, MONDO:0018975, OMIM 162200. Disease mechanism: loss of function.

Submission:

Myriad Genetics, Inc.
Classification: Benign for Neurofibromatosis, type 1. Last evaluated: 2026-09-24. Review status: criteria provided, single submitter. Criteria: Myriad Autosomal Dominant, Autosomal Recessive and X-Linked Classification Criteria (2023). Collection method: clinical testing. Allele origin: unknown.
Comment: This variant is considered benign. This variant is a silent/synonymous amino acid change and it is not expected to impact splicing.